The following is an entry in ClinVar:

ClinVar aggregate classification (germline): Uncertain significance. Review status: criteria provided, multiple submitters, no conflicts (2 of 4 stars). 2 submissions from 2 submitters: Uncertain significance (2). Last evaluated 2025-12-26.

Conditions:
Cardiomyopathy (CMYO). Also called: Cardiomyopathies. Identifiers: Orphanet 167848, MedGen C0878544, MONDO:0004994, HP:0001638. Inheritance: Various modes of inheritance.
Cardiovascular phenotype. Identifiers: MedGen CN230736.

Submissions (2):

Color Diagnostics, LLC DBA Color Health
Classification: Uncertain significance for Cardiomyopathy. Last evaluated: 2025-12-26. Review status: criteria provided, single submitter. Criteria: ACMG Guidelines, 2015. Collection method: clinical testing. Allele origin: germline.
Comment: Variant of Uncertain Significance due to insufficient evidence: This missense variant replaces glutamine with arginine at codon 569 of the DSG2 protein. Computational prediction tools and conservation analyses suggest that this variant may not impact the protein function. Computational splicing tools suggest that this variant may not impact RNA splicing. To our knowledge, functional assays have not been performed for this variant nor has this variant been reported in individuals affected with cardiovascular disorders in the literature. This variant is rare in the general population and has been identified in 0/277264 chromosomes by the Genome Aggregation Database (gnomAD). Available evidence is insufficient to determine the role of this variant in disease conclusively.

Ambry Genetics
Classification: Uncertain significance for Cardiovascular phenotype. Last evaluated: 2025-12-11. Review status: criteria provided, single submitter. Criteria: Ambry Variant Classification Scheme 2023. Collection method: clinical testing. Allele origin: germline.
Comment: The p.Q569R variant (also known as c.1706A>G), located in coding exon 12 of the DSG2 gene, results from an A to G substitution at nucleotide position 1706. The glutamine at codon 569 is replaced by arginine, an amino acid with highly similar properties. This amino acid position is conserved. In addition, this alteration is predicted to be tolerated by in silico analysis. Based on the available evidence, the clinical significance of this variant remains unclear.

NM_001943.5(DSG2):c.1706A>G (p.Gln569Arg)

Gene: DSG2 (desmoglein 2; plus strand). Cytogenetic location: 18q12.1.
Variant type: single nucleotide variant.
Coding change: c.1706A>G on transcript NM_001943.5 (MANE Select); coding-DNA position 1706, A replaced by G.
Protein change: p.Gln569Arg; replaces glutamine 569 with arginine.
Molecular consequence: missense variant.
Genome position (GRCh38, 1-based): chr18:31,538,805, A>G. VCF-style: chr18-31538805-A-G. GRCh37 (hg19) VCF-style: chr18-29118768-A-G.
Other names: c.1706A>G (NM_001943.3); short protein forms Q569R.
Identifiers: ClinVar variation 924175 (VCV000924175.7), dbSNP rs2073247749, ClinGen allele CA402137128.
Genomic context (GRCh38, chr18:31,538,805, plus strand): 5'-TTGTAGGTACCAGTGTGCTGCTGCAACAAAGTGAGAAAAAGCTTGGGAGAAGTGAAATTC[A>G]GTTCCTGATTTCAGACAATCAGGGTTTTAGTTGTCCTGAAAAGCAGGTCCTTACACTCAC-3'
Protein context (NP_001934.2, residues 559-579): SEKKLGRSEI[Gln569Arg]FLISDNQGFS